The following is an entry in ClinVar:

ClinVar aggregate classification (germline): Uncertain significance. Review status: criteria provided, multiple submitters, no conflicts (2 of 4 stars). 2 submissions from 2 submitters: Uncertain significance (2). Last evaluated 2024-06-05.

Allele frequency attached by ClinVar (database versions not stated): gnomAD 0.00001; TOPMed 0.00002; gnomAD exomes 0.00004.
gnomAD v4.1: 63 of 1,523,924 alleles (0.0041%); highest among the groups gnomAD compares: Non-Finnish European, 0.005%; no homozygotes.

Submissions (2):

Blueprint Genetics
Classification: Uncertain significance. Last evaluated: 2024-06-05. Review status: criteria provided, single submitter. Criteria: ACMG Guidelines, 2015. Collection method: clinical testing. Allele origin: germline.

Women's Health and Genetics/Laboratory Corporation of America, LabCorp
Classification: Uncertain significance. Last evaluated: 2024-02-02. Review status: criteria provided, single submitter. Criteria: LabCorp Variant Classification Summary - May 2015. Collection method: clinical testing. Allele origin: germline.
Comment: Variant summary: COQ2 c.296C>A (p.Pro99His) results in a non-conservative amino acid change in the encoded protein sequence. Three of five in-silico tools predict a benign effect of the variant on protein function. The variant allele was found at a frequency of 4.1e-05 in 1523924 control chromosomes (gnomAD). c.296C>A has been reported in the literature in at-least one individual affected with Sporadic Multiple-System Atrophy (example: Mitsui_2013). Utilizing a yeast complementation assay authors demonstrated this variant severely impairs respiration dependent growth rate, however, does not allow convincing conclusions about the variant effect. The following publication has been ascertained in the context of this evaluation (PMID: 23758206). No submitters have cited clinical-significance assessments for this variant to ClinVar. Based on the evidence outlined above, the variant was classified as uncertain significance.

NM_001358921.2(COQ2):c.146C>A (p.Pro49His)

Genes: COQ2 (coenzyme Q2, polyprenyltransferase; minus strand), LOC112997540 (Sharpr-MPRA regulatory region 13773; plus strand). Cytogenetic location: 4q21.23.
Variant type: single nucleotide variant.
Coding change: c.146C>A on transcript NM_001358921.2 (MANE Select); coding-DNA position 146, C replaced by A.
Protein change: p.Pro49His; replaces proline 49 with histidine.
Molecular consequence: missense variant.
Genome position (GRCh38, 1-based): chr4:83,284,619, G>T on the plus strand (C>A on the coding strand, the complement: COQ2 is on the minus strand). VCF-style: chr4-83284619-G-T. GRCh37 (hg19) VCF-style: chr4-84205772-G-T.
Other names: c.296C>A, p.Pro99His (NM_015697.9); short protein forms P49H, P99H.
Identifiers: ClinVar variation 3069111 (VCV003069111.3), dbSNP rs936872920, ClinGen allele CA100656613.
Genomic context (GRCh38, chr4:83,284,619, plus strand): 5'-CGGGGCGCAGAGTCCACCACCGCCGCCGCGGACAAACTGAGCTGGCGCCCGCGCGGCTCG[G>T]GACAGGCGGGGGGCTGCAAGTCACCACCGTGGGGCGCGCCTGCCGCACGCGCCAGGGCGA-3'
Protein context (NP_001345850.1, residues 39-59): HGGDLQPPAC[Pro49His]EPRGRQLSLS